The following is an entry in ClinVar:

ClinVar aggregate classification (germline): Pathogenic (1 of 4 stars; one submission).

Conditions:
Severe myoclonic epilepsy in infancy (DRVT). Also called: Epileptic encephalopathy, early infantile, 6 (Dravet syndrome); SEVERE MYOCLONIC EPILEPSY OF INFANCY; DEVELOPMENTAL AND EPILEPTIC ENCEPHALOPATHY 6A; Severe Myoclonic Epilepsy in Infancy (SMEI); Dravet syndrome. Identifiers: Orphanet 33069, MedGen C0751122, MONDO:0100135, OMIM 607208.

Submission:

Center for Bioinformatics, Peking University
Classification: Pathogenic for Dravet syndrome. Last evaluated: 2014-12-20. Review status: criteria provided, single submitter. Criteria: Xu et al. (Hum Mutat. 2015). Collection method: research. Allele origin: de novo. Affected: yes. Observed: 2 variant alleles. Study: University Clinical Cooperation “985 Project” PKU-2014-1-1.
Comment: Dravet syndrome (DS) probands were recruited from the outpatient and inpatient child neurology units of Peking University First Hospital from 2005 till present. The study was approved by the Ethics Committee of Peking University First Hospital and the Institutional Review Board at Peking University. Participants or their parents provided written informed consent before enrollment. We collected a total of 267 mutations from 255 families with probands diagnosed with DS in China. All probands fulfilled the clinical diagnostic criteria.

NM_001165963.4(SCN1A):c.4168G>C (p.Val1390Leu)

Genes: SCN1A (sodium voltage-gated channel alpha subunit 1; minus strand), LOC102724058 (uncharacterized LOC102724058; plus strand). Cytogenetic location: 2q24.3.
Variant type: single nucleotide variant.
Coding change: c.4168G>C on transcript NM_001165963.4 (MANE Select); coding-DNA position 4168, G replaced by C.
Protein change: p.Val1390Leu; replaces valine 1390 with leucine.
Molecular consequence: missense variant. On other transcripts: non-coding transcript variant (1).
Genome position (GRCh38, 1-based): chr2:166,002,588, C>G on the plus strand (G>C on the coding strand, the complement: SCN1A is on the minus strand). VCF-style: chr2-166002588-C-G. GRCh37 (hg19) VCF-style: chr2-166859098-C-G.
Other names: c.4084G>C, p.Val1362Leu (NM_001165964.3, NM_001353957.2, NM_001353958.2); c.4168G>C, p.Val1390Leu (NM_001202435.3, NM_001353948.2); c.4135G>C, p.Val1379Leu (NM_001353949.2, NM_001353950.2, NM_001353951.2 and 2 more transcripts); c.4132G>C, p.Val1378Leu (NM_001353954.2, NM_001353955.2); c.4081G>C, p.Val1361Leu (NM_001353960.2); c.1726G>C, p.Val576Leu (NM_001353961.2); short protein forms V1379L, V1390L, V1361L, V1378L, V1362L, V576L.
Identifiers: ClinVar variation 190014 (VCV000190014.1), dbSNP rs121917986, ClinGen allele CA303554.